The following is an entry in ClinVar:

NM_000235.4(LIPA):c.1051T>C (p.Tyr351His)

Gene: LIPA (lipase A, lysosomal acid type; minus strand). Cytogenetic location: 10q23.31.
Variant type: single nucleotide variant.
Coding change: c.1051T>C on transcript NM_000235.4 (MANE Select); coding-DNA position 1051, T replaced by C.
Protein change: p.Tyr351His; replaces tyrosine 351 with histidine.
Molecular consequence: missense variant.
Genome position (GRCh38, 1-based): chr10:89,214,977, A>G on the plus strand (T>C on the coding strand, the complement: LIPA is on the minus strand). VCF-style: chr10-89214977-A-G. GRCh37 (hg19) VCF-style: chr10-90974734-A-G.
Other names: c.1051T>C, p.Tyr351His (NM_001127605.3); c.703T>C, p.Tyr235His (NM_001288979.2); short protein forms Y351H, Y235H.
Identifiers: ClinVar variation 4047473 (VCV004047473.1).

ClinVar aggregate classification (germline): Uncertain significance (1 of 4 stars; one submission).

Conditions:
Cardiovascular phenotype. Identifiers: MedGen CN230736.

gnomAD v4.1: 2 of 1,614,052 alleles (0.00012%); highest among the groups gnomAD compares: Non-Finnish European, 0.00017%; no homozygotes.

Submission:

Ambry Genetics
Classification: Uncertain significance for Cardiovascular phenotype. Last evaluated: 2025-04-07. Review status: criteria provided, single submitter. Criteria: Ambry Variant Classification Scheme 2023. Collection method: clinical testing. Allele origin: germline.
Comment: The p.Y351H variant (also known as c.1051T>C), located in coding exon 9 of the LIPA gene, results from a T to C substitution at nucleotide position 1051. The tyrosine at codon 351 is replaced by histidine, an amino acid with similar properties. This amino acid position is conserved. In addition, this alteration is predicted to be tolerated by in silico analysis. Based on the available evidence, the clinical significance of this variant remains unclear.